The following is an entry in ClinVar:

ClinVar aggregate classification (germline): Benign (1 of 4 stars; one submission).

Submission:

CeGaT Center for Human Genetics Tuebingen
Classification: Benign. Last evaluated: 2023-04-01. Review status: criteria provided, single submitter. Criteria: CeGaT Center For Human Genetics Tuebingen Variant Classification Criteria Version 2. Collection method: clinical testing. Allele origin: germline. Affected: yes. Observed: 4 variant alleles.
Comment: TBL1XR1: BS1, BS2

NM_024665.7(TBL1XR1):c.1122+290GATG[8]

Genes: TBL1XR1 (TBL1X/Y related 1; minus strand), TBL1XR1-AS1 (TBL1XR1 antisense RNA 1; plus strand), LOC126806878 (CDK7 strongly-dependent group 2 enhancer GRCh37_chr3:176755168-176756367; plus strand). Cytogenetic location: 3q26.32.
Variant type: Microsatellite.
Coding change: c.1122+290GATG[8] on transcript NM_024665.7 (MANE Select); eight copies in a row of the 4-base unit GATG starting at c.1122+290; the reference has nine copies in a row; one copy, 4 bases deleted.
Molecular consequence: intron variant.
Genome position (GRCh38, 1-based): chr3:177,037,773-177,037,776, CATC deleted on the plus strand (GATG on the coding strand, the reverse complement: TBL1XR1 is on the minus strand); deleting any 4 consecutive bases within chr3:177,037,773-177,037,808 gives the same sequence; the position shown is the placement nearest the transcript's 3' end. VCF-style (leftmost placement, unchanged base first): chr3-177037772-TCATC-T. GRCh37 (hg19) VCF-style: chr3-176755560-TCATC-T.
Other names: c.1122+290GATG[8] (NM_001374327.1, NM_001321194.3, NM_001321193.3 and 2 more transcripts); c.861+290GATG[8] (NM_001374330.1, NM_001321195.3).
Identifiers: ClinVar variation 2654284 (VCV002654284.24), dbSNP rs71170848, ClinGen allele CA548260088.
Genomic context (GRCh38, chr3:177,037,772, plus strand): 5'-CAGACTGTGGGACTTCTCAGCCTCTATAATCACGTGAGTCAATTTCTCACAGTAAATCTC[TCATC>T]CATCCATCCATCCATCCATCCATCCATCCATCTTCTTATTGGTTCTGTTTCTCTGGAGAG-3'